The following is an entry in ClinVar:

NM_001304360.2(CFAP74):c.3103G>A (p.Asp1035Asn)

Gene: CFAP74 (cilia and flagella associated protein 74; minus strand). Cytogenetic location: 1p36.33.
Variant type: single nucleotide variant.
Coding change: c.3103G>A on transcript NM_001304360.2 (MANE Select); coding-DNA position 3103, G replaced by A.
Protein change: p.Asp1035Asn; replaces aspartic acid 1035 with asparagine.
Molecular consequence: missense variant.
Genome position (GRCh38, 1-based): chr1:1,930,245, C>T on the plus strand (G>A on the coding strand, the complement: CFAP74 is on the minus strand). VCF-style: chr1-1930245-C-T. GRCh37 (hg19) VCF-style: chr1-1861684-C-T.
Other names: short protein forms D1035N.
Identifiers: ClinVar variation 5020784 (VCV005020784.1).

ClinVar aggregate classification (germline): Uncertain significance (1 of 4 stars; one submission).

gnomAD v4.1: 17 of 1,535,630 alleles (0.0011%); highest among the groups gnomAD compares: South Asian, 0.0048%; no homozygotes.

Submission:

Dasa
Classification: Uncertain significance. Last evaluated: 2025-11-28. Review status: criteria provided, single submitter. Criteria: DASA Assertion Criteria. Collection method: clinical testing. Allele origin: germline.
Comment: NM_001304360.2(CFAP74):c.3103G>A (p.Asp1035Asn) is a missense variant that results in the substitution of aspartic acid with asparagine. This variant is rare in population databases. Computational prediction algorithms are consistent with a benign effect. The currently available literature and clinical evidence are not sufficient to establish a definitive association between this variant and the reported condition. Therefore, this variant is classified as a variant of uncertain significance.